The following is an entry in ClinVar:

ClinVar aggregate classification (germline): Uncertain significance (1 of 4 stars; one submission).

Conditions:
Sulfite oxidase deficiency due to molybdenum cofactor deficiency type C. Also called: Molybdenum cofactor deficiency, complementation group C; Molybdenum cofactor deficiency C. Identifiers: Orphanet 308400, Orphanet 833, MedGen C1854990, MONDO:0014212, OMIM 615501.

Submission:

Labcorp Genetics (formerly Invitae), Labcorp
Classification: Uncertain significance for Sulfite oxidase deficiency due to molybdenum cofactor deficiency type C. Last evaluated: 2023-12-12. Review status: criteria provided, single submitter. Criteria: Invitae Variant Classification Sherloc (09022015). Collection method: clinical testing. Allele origin: germline.
Comment: This sequence change falls in intron 7 of the GPHN gene. It does not directly change the encoded amino acid sequence of the GPHN protein. This variant is not present in population databases (gnomAD no frequency). This variant has not been reported in the literature in individuals affected with GPHN-related conditions. Algorithms developed to predict the effect of sequence changes on RNA splicing suggest that this variant may disrupt the consensus splice site. In summary, the available evidence is currently insufficient to determine the role of this variant in disease. Therefore, it has been classified as a Variant of Uncertain Significance.

NM_020806.5(GPHN):c.730-10T>C

Gene: GPHN (gephyrin; plus strand). Cytogenetic location: 14q23.3.
Variant type: single nucleotide variant.
Coding change: c.730-10T>C on transcript NM_020806.5 (MANE Select); 10 bases into the intron before coding-DNA position 730, T replaced by C.
Molecular consequence: intron variant.
Genome position (GRCh38, 1-based): chr14:66,924,184, T>C. VCF-style: chr14-66924184-T-C. GRCh37 (hg19) VCF-style: chr14-67390901-T-C.
Other names: c.768+1246T>C (NM_001377514.1, NM_001377519.1); c.729+1246T>C (NM_001377515.1, NM_001377516.1, NM_001377518.1 and 2 more transcripts).
Identifiers: ClinVar variation 2702311 (VCV002702311.3), dbSNP rs371948902, ClinGen allele CA2697553975.
Genomic context (GRCh38, chr14:66,924,184, plus strand): 5'-AGTCATTTTGCTTGTATAGTTTCATGTTTTCCTGTCACTATATTCATAGTTGTTATGTGT[T>C]GTGCATTAGAAGCATCCATTCTACACCAGTCCTGCTGTTGTCATGGCACACGGTGAACAG-3'